The following is an entry in ClinVar:

ClinVar aggregate classification (germline): Uncertain significance (1 of 4 stars; one submission).

Allele frequency attached by ClinVar (database versions not stated): gnomAD exomes below 0.00001; TOPMed 0.00002; ESP Exome Variant Server 0.00008.
gnomAD v4.1: 1 of 1,614,094 alleles (0.000062%); highest among the groups gnomAD compares: African/African-American, 0.0013%; no homozygotes.

Submission:

Labcorp Genetics (formerly Invitae), Labcorp
Classification: Uncertain significance. Last evaluated: 2024-12-07. Review status: criteria provided, single submitter. Criteria: Invitae Variant Classification Sherloc (09022015). Collection method: clinical testing. Allele origin: germline.
Comment: This sequence change replaces methionine, which is neutral and non-polar, with isoleucine, which is neutral and non-polar, at codon 539 of the CLTC protein (p.Met539Ile). This variant is not present in population databases (gnomAD no frequency). This variant has not been reported in the literature in individuals affected with CLTC-related conditions. ClinVar contains an entry for this variant (Variation ID: 2124140). Invitae Evidence Modeling of protein sequence and biophysical properties (such as structural, functional, and spatial information, amino acid conservation, physicochemical variation, residue mobility, and thermodynamic stability) indicates that this missense variant is not expected to disrupt CLTC protein function with a negative predictive value of 80%. In summary, the available evidence is currently insufficient to determine the role of this variant in disease. Therefore, it has been classified as a Variant of Uncertain Significance.

NM_004859.4(CLTC):c.1605G>T (p.Met535Ile)

Gene: CLTC (clathrin heavy chain; plus strand). Cytogenetic location: 17q23.1.
Variant type: single nucleotide variant.
Coding change: c.1605G>T on transcript NM_004859.4 (MANE Select); coding-DNA position 1605, G replaced by T.
Protein change: p.Met535Ile; replaces methionine 535 with isoleucine.
Molecular consequence: missense variant.
Genome position (GRCh38, 1-based): chr17:59,664,870, G>T. VCF-style: chr17-59664870-G-T. GRCh37 (hg19) VCF-style: chr17-57742231-G-T.
Other names: c.1617G>T, p.Met539Ile (NM_001288653.2); short protein forms M539I, M535I.
Identifiers: ClinVar variation 2124140 (VCV002124140.4), dbSNP rs375430840, ClinGen allele CA292147839.